The following is an entry in ClinVar:

ClinVar aggregate classification (germline): Conflicting classifications of pathogenicity. Review status: criteria provided, conflicting classifications (1 of 4 stars). 3 submissions from 3 submitters: Uncertain significance (1); Likely benign (2). Last evaluated 2025-03-27.

Conditions:
Developmental and epileptic encephalopathy, 11 (DEE11). Also called: Early infantile epileptic encephalopathy 11. Identifiers: Orphanet 1934, MedGen C3150987, MONDO:0013388, OMIM 613721.
Seizures, benign familial infantile, 3 (BFIS3). Also called: CONVULSIONS, BENIGN FAMILIAL INFANTILE, 3; Familial neonatal seizures. Identifiers: Orphanet 140927, Orphanet 306, MedGen C1843140, MONDO:0011904, OMIM 607745.

Allele frequency attached by ClinVar (database versions not stated): gnomAD 0.00001; gnomAD exomes 0.00001; TOPMed 0.00001.
gnomAD v4.1: 17 of 1,605,064 alleles (0.0011%); highest among the groups gnomAD compares: East Asian, 0.0022%; no homozygotes.

Submissions (3):

Labcorp Genetics (formerly Invitae), Labcorp
Classification: Likely benign for Seizures, benign familial infantile, 3; Developmental and epileptic encephalopathy, 11. Last evaluated: 2025-03-27. Review status: criteria provided, single submitter. Criteria: Invitae Variant Classification Sherloc (09022015). Collection method: clinical testing. Allele origin: germline.

GeneDx
Classification: Likely benign. Last evaluated: 2016-07-14. Review status: criteria provided, single submitter. Criteria: GeneDx Variant Classification (06012015). Collection method: clinical testing. Allele origin: germline. Affected: yes.
Comment: This variant is considered likely benign or benign based on one or more of the following criteria: it is a conservative change, it occurs at a poorly conserved position in the protein, it is predicted to be benign by multiple in silico algorithms, and/or has population frequency not consistent with disease.

Eurofins Ntd Llc (ga)
Classification: Uncertain significance. Last evaluated: 2015-10-20. Review status: criteria provided, single submitter. Criteria: EGL Classification Definitions 2015. Collection method: clinical testing. Allele origin: germline. Observed: 1 variant allele, 1 heterozygote.

NM_001040142.2(SCN2A):c.2016+10A>G

Gene: SCN2A (sodium voltage-gated channel alpha subunit 2; plus strand). Cytogenetic location: 2q24.3.
Variant type: single nucleotide variant.
Coding change: c.2016+10A>G on transcript NM_001040142.2 (MANE Select); 10 bases into the intron after coding-DNA position 2016, A replaced by G.
Molecular consequence: intron variant.
Genome position (GRCh38, 1-based): chr2:165,323,510, A>G. VCF-style: chr2-165323510-A-G. GRCh37 (hg19) VCF-style: chr2-166180020-A-G.
Other names: c.2016+10A>G (NM_001040143.2, NM_001371246.1, NM_001371247.1 and 1 more transcripts).
Identifiers: ClinVar variation 284024 (VCV000284024.13), dbSNP rs886042771, ClinGen allele CA10604665.